The following is an entry in ClinVar:

ClinVar aggregate classification (germline): Uncertain significance. Review status: criteria provided, multiple submitters, no conflicts (2 of 4 stars). 2 submissions from 2 submitters: Uncertain significance (2). Last evaluated 2025-08-22.

Conditions:
3-hydroxy-3-methylglutaryl-CoA synthase deficiency (HMGCS2D). Also called: MITOCHONDRIAL HMG-CoA SYNTHASE DEFICIENCY; HMGCS2 DEFICIENCY; HMG-CoA synthase-2 deficiency. Identifiers: Orphanet 35701, MedGen C2751532, MONDO:0011614, OMIM 605911.
Inborn genetic diseases. Identifiers: MedGen C0950123, MeSH D030342.

Allele frequency attached by ClinVar (database versions not stated): ExAC 0.00001; TOPMed 0.00001; gnomAD exomes 0.00002.
gnomAD v4.1: 23 of 1,613,712 alleles (0.0014%); highest among the groups gnomAD compares: Non-Finnish European, 0.0019%; no homozygotes.

Submissions (2):

Labcorp Genetics (formerly Invitae), Labcorp
Classification: Uncertain significance for 3-hydroxy-3-methylglutaryl-CoA synthase deficiency. Last evaluated: 2025-08-22. Review status: criteria provided, single submitter. Criteria: Invitae Variant Classification Sherloc (09022015). Collection method: clinical testing. Allele origin: germline.
Comment: This sequence change replaces alanine, which is neutral and non-polar, with glycine, which is neutral and non-polar, at codon 284 of the HMGCS2 protein (p.Ala284Gly). This variant is present in population databases (rs201182715, gnomAD 0.002%). This variant has not been reported in the literature in individuals affected with HMGCS2-related conditions. ClinVar contains an entry for this variant (Variation ID: 2161681). An algorithm developed to predict the effect of missense changes on protein structure and function (PolyPhen-2) suggests that this variant is likely to be tolerated. In summary, the available evidence is currently insufficient to determine the role of this variant in disease. Therefore, it has been classified as a Variant of Uncertain Significance.

Ambry Genetics
Classification: Uncertain significance for Inborn genetic diseases. Last evaluated: 2023-03-02. Review status: criteria provided, single submitter. Criteria: Ambry Variant Classification Scheme 2023. Collection method: clinical testing. Allele origin: germline.

NM_005518.4(HMGCS2):c.851C>G (p.Ala284Gly)

Gene: HMGCS2 (3-hydroxy-3-methylglutaryl-CoA synthase 2; minus strand). Cytogenetic location: 1p12.
Variant type: single nucleotide variant.
Coding change: c.851C>G on transcript NM_005518.4 (MANE Select); coding-DNA position 851, C replaced by G.
Protein change: p.Ala284Gly; replaces alanine 284 with glycine.
Molecular consequence: missense variant.
Genome position (GRCh38, 1-based): chr1:119,757,438, G>C on the plus strand (C>G on the coding strand, the complement: HMGCS2 is on the minus strand). VCF-style: chr1-119757438-G-C. GRCh37 (hg19) VCF-style: chr1-120300061-G-C.
Other names: c.725C>G, p.Ala242Gly (NM_001166107.1); short protein forms A284G, A242G.
Identifiers: ClinVar variation 2161681 (VCV002161681.5), dbSNP rs201182715, ClinGen allele CA1037750.